The following is an entry in ClinVar:

ClinVar aggregate classification (germline): Uncertain significance (1 of 4 stars; one submission).

Allele frequency attached by ClinVar (database versions not stated): gnomAD 0.00001; gnomAD exomes 0.00002; TOPMed 0.00002.
gnomAD v4.1: 4 of 1,558,584 alleles (0.00026%); highest among the groups gnomAD compares: Admixed American, 0.0058%; no homozygotes.

Submission:

Labcorp Genetics (formerly Invitae), Labcorp
Classification: Uncertain significance. Last evaluated: 2026-01-07. Review status: criteria provided, single submitter. Criteria: Invitae Variant Classification Sherloc (09022015). Collection method: clinical testing. Allele origin: germline.
Comment: This sequence change replaces glycine, which is neutral and non-polar, with arginine, which is basic and polar, at codon 131 of the PDE4D protein (p.Gly131Arg). This variant is present in population databases (no rsID available, gnomAD 0.01%). This variant has not been reported in the literature in individuals affected with PDE4D-related conditions. ClinVar contains an entry for this variant (Variation ID: 1463486). An algorithm developed to predict the effect of missense changes on protein structure and function (PolyPhen-2) suggests that this variant is likely to be tolerated. In summary, the available evidence is currently insufficient to determine the role of this variant in disease. Therefore, it has been classified as a Variant of Uncertain Significance.

NM_001104631.2(PDE4D):c.391G>C (p.Gly131Arg)

Gene: PDE4D (phosphodiesterase 4D; minus strand). Cytogenetic location: 5q12.1.
Variant type: single nucleotide variant.
Coding change: c.391G>C on transcript NM_001104631.2 (MANE Select); coding-DNA position 391, G replaced by C.
Protein change: p.Gly131Arg; replaces glycine 131 with arginine.
Molecular consequence: missense variant. On other transcripts: intron variant (5).
Genome position (GRCh38, 1-based): chr5:59,893,232, C>G on the plus strand (G>C on the coding strand, the complement: PDE4D is on the minus strand). VCF-style: chr5-59893232-C-G. GRCh37 (hg19) VCF-style: chr5-59189059-C-G.
Other names: c.272+95256G>C (NM_001364599.1, NM_001165899.2, NM_001364600.2); c.-240+95256G>C (NM_001349243.2); c.242+95256G>C (NM_001349241.2); short protein forms G131R.
Identifiers: ClinVar variation 1463486 (VCV001463486.6), dbSNP rs932027290, ClinGen allele CA119327158.